The following is an entry in ClinVar:

NM_000038.6(APC):c.532-6T>C

Gene: APC (APC regulator of Wnt signaling pathway; plus strand). Cytogenetic location: 5q22.2.
Variant type: single nucleotide variant.
Coding change: c.532-6T>C on transcript NM_000038.6 (MANE Select); 6 bases into the intron before coding-DNA position 532, T replaced by C.
Molecular consequence: intron variant.
Genome position (GRCh38, 1-based): chr5:112,780,784, T>C. VCF-style: chr5-112780784-T-C. GRCh37 (hg19) VCF-style: chr5-112116481-T-C.
Other names: c.532-6T>C (NM_001354895.2, NM_001127510.3, NM_001354896.2 and 2 more transcripts); c.562-6T>C (NM_001354897.2, NM_001354902.2, NM_001127511.3); c.457-6T>C (NM_001354898.2, NM_001354904.2); c.-504-6T>C (NM_001354906.2); c.355-6T>C (NM_001354900.2, NM_001354901.2, NM_001354905.2).
Identifiers: ClinVar variation 469999 (VCV000469999.13), dbSNP rs1554072543, ClinGen allele CA658657477.

ClinVar aggregate classification (germline): Conflicting classifications of pathogenicity. Review status: criteria provided, conflicting classifications (1 of 4 stars). 3 submissions from 3 submitters: Uncertain significance (1); Likely benign (2). Last evaluated 2025-10-13.

Conditions:
Familial adenomatous polyposis 1 (FAP1). Also called: POLYPOSIS, ADENOMATOUS INTESTINAL; FAMILIAL ADENOMATOUS POLYPOSIS 1, ATTENUATED. Identifiers: MedGen C2713442, MONDO:0021056, OMIM 175100. Disease mechanism: loss of function.

Allele frequency attached by ClinVar (database versions not stated): gnomAD exomes below 0.00001.
gnomAD v4.1: 2 of 1,588,418 alleles (0.00013%); highest among the groups gnomAD compares: Non-Finnish European, 0.000086%; no homozygotes.

Submissions (3):

Labcorp Genetics (formerly Invitae), Labcorp
Classification: Likely benign for Familial adenomatous polyposis 1. Last evaluated: 2025-10-13. Review status: criteria provided, single submitter. Criteria: Invitae Variant Classification Sherloc (09022015). Collection method: clinical testing. Allele origin: germline.

Myriad Genetics, Inc.
Classification: Likely benign for Familial adenomatous polyposis 1. Last evaluated: 2024-02-23. Review status: criteria provided, single submitter. Criteria: Myriad Autosomal Dominant, Autosomal Recessive and X-Linked Classification Criteria (2023). Collection method: clinical testing. Allele origin: unknown.
Comment: This variant is considered likely benign. This variant is intronic and is not expected to impact mRNA splicing.

GeneDx
Classification: Uncertain significance. Last evaluated: 2020-03-13. Review status: criteria provided, single submitter. Criteria: GeneDx Variant Classification Process June 2021. Collection method: clinical testing. Allele origin: germline. Affected: yes.
Comment: Not observed in large population cohorts (Lek 2016); Has not been previously published as pathogenic or benign to our knowledge; In-silico analysis, which includes splice predictors and evolutionary conservation, is inconclusive as to whether the variant alters gene splicing. In the absence of RNA/functional studies, the actual effect of this sequence change is unknown.